The following is an entry in ClinVar:

ClinVar aggregate classification (germline): Benign. Review status: criteria provided, single submitter (1 of 4 stars). 2 submissions from 2 submitters: Benign (1). 1 of the submissions does not count toward it. Last evaluated 2025-03-11.

Conditions:
NEXMIF-related disorder. Also called: NEXMIF-related condition.

Allele frequency attached by ClinVar (database versions not stated): gnomAD 0.00012; TOPMed 0.00019.
gnomAD v4.1: 26 of 1,197,039 alleles (0.0022%); highest among the groups gnomAD compares: Admixed American, 0.055%; no homozygotes.

Submissions (2):

Labcorp Genetics (formerly Invitae), Labcorp
Classification: Benign. Last evaluated: 2025-03-11. Review status: criteria provided, single submitter. Criteria: Invitae Variant Classification Sherloc (09022015). Collection method: clinical testing. Allele origin: germline.

PreventionGenetics, part of Exact Sciences
Classification: Likely benign for NEXMIF-related condition. Last evaluated: 2019-07-22. Review status: no assertion criteria provided. Collection method: clinical testing. Allele origin: germline. Not counted in ClinVar's aggregate classification.
Comment: This variant is classified as likely benign based on ACMG/AMP sequence variant interpretation guidelines (Richards et al. 2015 PMID: 25741868, with internal and published modifications).

NM_001008537.3(NEXMIF):c.4494C>T (p.Thr1498=)

Gene: NEXMIF (neurite extension and migration factor; minus strand). Cytogenetic location: Xq13.3.
Variant type: single nucleotide variant.
Coding change: c.4494C>T on transcript NM_001008537.3 (MANE Select); coding-DNA position 4494, C replaced by T.
Protein change: p.Thr1498=; no amino-acid change (threonine 1498 retained).
Molecular consequence: synonymous variant.
Genome position (GRCh38, 1-based): chrX:74,739,462, G>A on the plus strand (C>T on the coding strand, the complement: NEXMIF is on the minus strand). VCF-style: chrX-74739462-G-A. GRCh37 (hg19) VCF-style: chrX-73959297-G-A.
Other names: c.4494C>T (NM_001008537.2).
Identifiers: ClinVar variation 2874067 (VCV002874067.5), dbSNP rs772871215, ClinGen allele CA10454808.